The following is an entry in ClinVar:

NM_145239.3(PRRT2):c.739_740delinsAT (p.Pro247Ile)

Genes: MVP-DT (MVP divergent transcript; minus strand), PRRT2 (proline rich transmembrane protein 2; plus strand). Cytogenetic location: 16p11.2.
Variant type: Indel.
Coding change: c.739_740delinsAT on transcript NM_145239.3 (MANE Select); coding-DNA positions 739 to 740, CC replaced by AT.
Protein change: p.Pro247Ile; replaces proline 247 with isoleucine.
Molecular consequence: missense variant.
Genome position (GRCh38, 1-based): chr16:29,813,793-29,813,794, CC replaced by AT. VCF-style: chr16-29813793-CC-AT. GRCh37 (hg19) VCF-style: chr16-29825114-CC-AT.
Other names: c.739_740delinsAT, p.Pro247Ile (NM_001256442.2, NM_001256443.2); short protein forms P247I.
Identifiers: ClinVar variation 1061268 (VCV001061268.9), dbSNP rs2142426556, ClinGen allele CA2499223481.
Genomic context (GRCh38, chr16:29,813,793, plus strand): 5'-CGAATGAGAAGGGCACACAGTGGGCATCCAGGATCTCCCCGAGGTAGCCTGAGCCGCCAC[CC>AT]CAGCTCCCAGTTGGCAGGTCCTGGGGTGGAGGGGGGTGAAGGCACCCAGAAACCTCGGGA-3'
Protein context (NP_660282.2, residues 237-257): GSPRGSLSRH[Pro247Ile]SSQLAGPGVE

ClinVar aggregate classification (germline): Uncertain significance (1 of 4 stars; one submission).

Conditions:
Episodic kinesigenic dyskinesia (EKD). Also called: Paroxysmal kinesigenic dyskinesia. Identifiers: Orphanet 98809, MedGen C1868682, MONDO:0044202.

Submission:

Labcorp Genetics (formerly Invitae), Labcorp
Classification: Uncertain significance for Episodic kinesigenic dyskinesia. Last evaluated: 2022-08-31. Review status: criteria provided, single submitter. Criteria: Invitae Variant Classification Sherloc (09022015). Collection method: clinical testing. Allele origin: germline.
Comment: In summary, the available evidence is currently insufficient to determine the role of this variant in disease. Therefore, it has been classified as a Variant of Uncertain Significance. Algorithms developed to predict the effect of missense changes on protein structure and function are either unavailable or do not agree on the potential impact of this missense change (SIFT: "Not Available"; PolyPhen-2: "Probably Damaging"; Align-GVGD: "Not Available"). ClinVar contains an entry for this variant (Variation ID: 1061268). This variant has not been reported in the literature in individuals affected with PRRT2-related conditions. Information on the frequency of this variant in the gnomAD database is not available, as this variant may be reported differently in the database. This sequence change replaces proline, which is neutral and non-polar, with isoleucine, which is neutral and non-polar, at codon 247 of the PRRT2 protein (p.Pro247Ile).